The following is an entry in ClinVar:

ClinVar aggregate classification (germline): Pathogenic. Review status: criteria provided, multiple submitters, no conflicts (2 of 4 stars). 2 submissions from 2 submitters: Pathogenic (2). Last evaluated 2025-09-17.

Conditions:
ABCA4-related disorder. Also called: ABCA4-related disorders; ABCA4-related condition. Identifiers: MedGen CN239167.

Submissions (2):

3billion
Classification: Pathogenic for ABCA4-related disorder. Last evaluated: 2025-09-17. Review status: criteria provided, single submitter. Criteria: ACMG Guidelines, 2015. Collection method: clinical testing. Allele origin: germline. Affected: yes.
Comment: The variant is not observed in the gnomAD v4.1.0 dataset. Predicted Consequence/Location: Frameshift: predicted to result in a loss or disruption of normal protein function through nonsense-mediated decay (NMD) or protein truncation. Multiple pathogenic variants are reported downstream of the variant. The variant has been reported to be associated with ABCA4-related disorder (ClinVar ID: VCV001457245). Therefore, this variant is classified as Pathogenic according to the recommendation of ACMG/AMP guideline.

Labcorp Genetics (formerly Invitae), Labcorp
Classification: Pathogenic. Last evaluated: 2024-11-11. Review status: criteria provided, single submitter. Criteria: Invitae Variant Classification Sherloc (09022015). Collection method: clinical testing. Allele origin: germline.
Comment: This sequence change creates a premature translational stop signal (p.Asn1318Metfs*71) in the ABCA4 gene. It is expected to result in an absent or disrupted protein product. Loss-of-function variants in ABCA4 are known to be pathogenic (PMID: 10958761, 24938718, 25312043, 26780318). This variant is not present in population databases (gnomAD no frequency). This variant has not been reported in the literature in individuals affected with ABCA4-related conditions. ClinVar contains an entry for this variant (Variation ID: 1457245). For these reasons, this variant has been classified as Pathogenic.

Literature cited by the submitters: PubMed 10958761 (cited by Labcorp Genetics (formerly Invitae), Labcorp); PubMed 24938718 (cited by Labcorp Genetics (formerly Invitae), Labcorp); PubMed 25312043 (cited by Labcorp Genetics (formerly Invitae), Labcorp); PubMed 26780318 (cited by Labcorp Genetics (formerly Invitae), Labcorp).

NM_000350.3(ABCA4):c.3951del (p.Asn1318fs)

Gene: ABCA4 (ATP binding cassette subfamily A member 4; minus strand). Cytogenetic location: 1p22.1.
Variant type: Deletion.
Coding change: c.3951del on transcript NM_000350.3 (MANE Select); coding-DNA position 3951, one base deleted (C; older notation c.3951delC).
Protein change: p.Asn1318fs; shifts the reading frame from asparagine 1318.
Molecular consequence: frameshift variant.
Genome position (GRCh38, 1-based): chr1:94,031,955, G deleted on the plus strand (C on the coding strand, the reverse complement: ABCA4 is on the minus strand); the first of 2 consecutive G bases (chr1:94,031,955-94,031,956); deleting either gives the same sequence. VCF-style (leftmost placement, unchanged base first): chr1-94031954-TG-T. GRCh37 (hg19) VCF-style: chr1-94497510-TG-T.
Other names: c.3728delC, p.Asn1244Metfs (NM_001425324.1); short protein forms N1318fs.
Identifiers: ClinVar variation 1457245 (VCV001457245.7), dbSNP rs2101037158, ClinGen allele CA2573131977.